The following is an entry in ClinVar:

ClinVar aggregate classification (germline): Uncertain significance. Review status: criteria provided, multiple submitters, no conflicts (2 of 4 stars). 3 submissions from 3 submitters: Uncertain significance (3). Last evaluated 2024-06-05.

Conditions:
Hereditary cancer-predisposing syndrome. Also called: Hereditary neoplastic syndrome; Tumor predisposition; Neoplastic Syndromes, Hereditary; Hereditary Cancer Syndrome. Identifiers: Orphanet 140162, MedGen C0027672, MeSH D009386, MONDO:0015356.
Intellectual disability, autosomal dominant 16 (CSS4). Also called: COFFIN-SIRIS SYNDROME 4. Identifiers: Orphanet 1465, MedGen C3553249, MONDO:0013821, OMIM 614609.
Rhabdoid tumor predisposition syndrome 2 (RTPS2). Identifiers: Orphanet 231108, Orphanet 69077, MedGen C2750074, MONDO:0013224, OMIM 613325.

Allele frequency attached by ClinVar (database versions not stated): TOPMed 0.00001; gnomAD exomes below 0.00001; gnomAD 0.00001.
gnomAD v4.1: 3 of 1,613,866 alleles (0.00019%); highest among the groups gnomAD compares: Middle Eastern, 0.016%; no homozygotes.

Submissions (3):

Ambry Genetics
Classification: Uncertain significance for Hereditary cancer-predisposing syndrome. Last evaluated: 2024-06-05. Review status: criteria provided, single submitter. Criteria: Ambry Variant Classification Scheme 2023. Collection method: clinical testing. Allele origin: germline.
Comment: The p.M84T variant (also known as c.251T>C), located in coding exon 2 of the SMARCA4 gene, results from a T to C substitution at nucleotide position 251. The methionine at codon 84 is replaced by threonine, an amino acid with similar properties. This amino acid position is not well conserved in available vertebrate species. In addition, the in silico prediction for this alteration is inconclusive. Since supporting evidence is limited at this time, the clinical significance of this alteration remains unclear.

Labcorp Genetics (formerly Invitae), Labcorp
Classification: Uncertain significance for Rhabdoid tumor predisposition syndrome 2. Last evaluated: 2024-04-20. Review status: criteria provided, single submitter. Criteria: Invitae Variant Classification Sherloc (09022015). Collection method: clinical testing. Allele origin: germline.
Comment: This sequence change replaces methionine, which is neutral and non-polar, with threonine, which is neutral and polar, at codon 84 of the SMARCA4 protein (p.Met84Thr). This variant is not present in population databases (gnomAD no frequency). This variant has not been reported in the literature in individuals affected with SMARCA4-related conditions. ClinVar contains an entry for this variant (Variation ID: 571186). Advanced modeling of protein sequence and biophysical properties (such as structural, functional, and spatial information, amino acid conservation, physicochemical variation, residue mobility, and thermodynamic stability) performed at Invitae indicates that this missense variant is not expected to disrupt SMARCA4 protein function with a negative predictive value of 95%. In summary, the available evidence is currently insufficient to determine the role of this variant in disease. Therefore, it has been classified as a Variant of Uncertain Significance.

Genome-Nilou Lab
Classification: Uncertain significance for Intellectual disability, autosomal dominant 16. Last evaluated: 2021-07-15. Review status: criteria provided, single submitter. Criteria: ACMG Guidelines, 2015. Collection method: clinical testing. Allele origin: germline. Affected: no.

NM_003072.5(SMARCA4):c.251T>C (p.Met84Thr)

Gene: SMARCA4 (SWI/SNF related BAF chromatin remodeling complex subunit ATPase 4; plus strand). Cytogenetic location: 19p13.2.
Variant type: single nucleotide variant.
Coding change: c.251T>C on transcript NM_003072.5 (MANE Select); coding-DNA position 251, T replaced by C.
Protein change: p.Met84Thr; replaces methionine 84 with threonine.
Molecular consequence: missense variant. On other transcripts: non-coding transcript variant (1).
Genome position (GRCh38, 1-based): chr19:10,985,301, T>C. VCF-style: chr19-10985301-T-C. GRCh37 (hg19) VCF-style: chr19-11095977-T-C.
Other names: c.251T>C, p.Met84Thr (NM_001128844.3, NM_001128845.2, NM_001128846.2 and 5 more transcripts); short protein forms M84T.
Identifiers: ClinVar variation 571186 (VCV000571186.16), dbSNP rs998875986, ClinGen allele CA305286182.